The following is an entry in ClinVar:

NM_147127.5(EVC2):c.660C>G (p.Asn220Lys)

Gene: EVC2 (EvC ciliary complex subunit 2; minus strand). Cytogenetic location: 4p16.2.
Variant type: single nucleotide variant.
Coding change: c.660C>G on transcript NM_147127.5 (MANE Select); coding-DNA position 660, C replaced by G.
Protein change: p.Asn220Lys; replaces asparagine 220 with lysine.
Molecular consequence: missense variant.
Genome position (GRCh38, 1-based): chr4:5,689,203, G>C on the plus strand (C>G on the coding strand, the complement: EVC2 is on the minus strand). VCF-style: chr4-5689203-G-C. GRCh37 (hg19) VCF-style: chr4-5690930-G-C.
Other names: c.420C>G, p.Asn140Lys (NM_001166136.2); short protein forms N220K, N140K.
Identifiers: ClinVar variation 4787996 (VCV004787996.1).

ClinVar aggregate classification (germline): Uncertain significance (1 of 4 stars; one submission).

Conditions:
Ellis-van Creveld syndrome (EVC). Also called: EVC-Related Ellis-van Creveld Syndrome; EVC2-Related Ellis-van Creveld Syndrome; MESOECTODERMAL DYSPLASIA; Chondroectodermal dysplasia. Identifiers: Orphanet 289, MedGen C0013903, MONDO:0009162, OMIM 225500.
Curry-Hall syndrome (WAD). Also called: WEYERS ACRODENTAL DYSOSTOSIS. Identifiers: Orphanet 952, MedGen C0457013, MONDO:0008673, OMIM 193530.

gnomAD v4.1: 54 of 1,614,120 alleles (0.0033%); highest among the groups gnomAD compares: Non-Finnish European, 0.0045%; no homozygotes.

Submission:

Labcorp Genetics (formerly Invitae), Labcorp
Classification: Uncertain significance for Curry-Hall syndrome; Ellis-van Creveld syndrome. Last evaluated: 2026-01-24. Review status: criteria provided, single submitter. Criteria: Invitae Variant Classification Sherloc (09022015). Collection method: clinical testing. Allele origin: germline.
Comment: This sequence change replaces asparagine, which is neutral and polar, with lysine, which is basic and polar, at codon 220 of the EVC2 protein (p.Asn220Lys). This variant is present in population databases (rs746099524, gnomAD 0.007%). This variant has not been reported in the literature in individuals affected with EVC2-related conditions. An algorithm developed to predict the effect of missense changes on protein structure and function (PolyPhen-2) suggests that this variant is likely to be disruptive. In summary, the available evidence is currently insufficient to determine the role of this variant in disease. Therefore, it has been classified as a Variant of Uncertain Significance.